The following is an entry in ClinVar:

NM_001953.5(TYMP):c.854T>G (p.Leu285Arg)

Gene: TYMP (thymidine phosphorylase; minus strand). Cytogenetic location: 22q13.33.
Variant type: single nucleotide variant.
Coding change: c.854T>G on transcript NM_001953.5 (MANE Select); coding-DNA position 854, T replaced by G.
Protein change: p.Leu285Arg; replaces leucine 285 with arginine.
Molecular consequence: missense variant.
Genome position (GRCh38, 1-based): chr22:50,526,650, A>C on the plus strand (T>G on the coding strand, the complement: TYMP is on the minus strand). VCF-style: chr22-50526650-A-C. GRCh37 (hg19) VCF-style: chr22-50965079-A-C.
Other names: c.854T>G, p.Leu285Arg (NM_001113755.3, NM_001113756.3, NM_001257988.1 and 1 more transcripts); short protein forms L285R.
Identifiers: ClinVar variation 3684157 (VCV003684157.2).

ClinVar aggregate classification (germline): Likely pathogenic (1 of 4 stars; one submission).

gnomAD v4.1: 2 of 1,564,084 alleles (0.00013%); highest among the groups gnomAD compares: Non-Finnish European, 0.00017%; no homozygotes.

Submission:

Labcorp Genetics (formerly Invitae), Labcorp
Classification: Likely pathogenic. Last evaluated: 2024-06-20. Review status: criteria provided, single submitter. Criteria: Invitae Variant Classification Sherloc (09022015). Collection method: clinical testing. Allele origin: germline.
Comment: This sequence change replaces leucine, which is neutral and non-polar, with arginine, which is basic and polar, at codon 285 of the TYMP protein (p.Leu285Arg). This variant is not present in population databases (gnomAD no frequency). This variant has not been reported in the literature in individuals affected with TYMP-related conditions. Advanced modeling of protein sequence and biophysical properties (such as structural, functional, and spatial information, amino acid conservation, physicochemical variation, residue mobility, and thermodynamic stability) performed at Invitae indicates that this missense variant is expected to disrupt TYMP protein function with a positive predictive value of 95%. This variant disrupts the p.Leu285 amino acid residue in TYMP. Other variant(s) that disrupt this residue have been determined to be pathogenic (PMID: 16178026). This suggests that this residue is clinically significant, and that variants that disrupt this residue are likely to be disease-causing. In summary, the currently available evidence indicates that the variant is pathogenic, but additional data are needed to prove that conclusively. Therefore, this variant has been classified as Likely Pathogenic.

Literature cited by the submitters: PubMed 16178026.